The following is an entry in ClinVar:

NM_032043.3(BRIP1):c.3341A>C (p.Gln1114Pro)

Gene: BRIP1 (BRCA1 interacting DNA helicase 1; minus strand). Cytogenetic location: 17q23.2.
Variant type: single nucleotide variant.
Coding change: c.3341A>C on transcript NM_032043.3 (MANE Select); coding-DNA position 3341, A replaced by C.
Protein change: p.Gln1114Pro; replaces glutamine 1114 with proline.
Molecular consequence: missense variant.
Genome position (GRCh38, 1-based): chr17:61,683,705, T>G on the plus strand (A>C on the coding strand, the complement: BRIP1 is on the minus strand). VCF-style: chr17-61683705-T-G. GRCh37 (hg19) VCF-style: chr17-59761066-T-G.
Other names: short protein forms Q1114P.
Identifiers: ClinVar variation 1719279 (VCV001719279.6), dbSNP rs1603275193, ClinGen allele CA400478942.

ClinVar aggregate classification (germline): Conflicting classifications of pathogenicity. Review status: criteria provided, conflicting classifications (1 of 4 stars). 2 submissions from 2 submitters: Uncertain significance (1); Likely benign (1). Last evaluated 2025-02-25.

Conditions:
Familial cancer of breast. Also called: BREAST CANCER, FAMILIAL; Hereditary breast cancer; hereditary breast carcinoma. Identifiers: Orphanet 227535, MedGen C0346153, MONDO:0016419, OMIM 114480. Disease mechanism: loss of function.
Fanconi anemia complementation group J. Also called: BRIP1-Related Fanconi Anemia. Identifiers: Orphanet 84, MedGen C1836860, MONDO:0012187, OMIM 609054.
Hereditary cancer-predisposing syndrome. Also called: Hereditary neoplastic syndrome; Tumor predisposition; Neoplastic Syndromes, Hereditary; Hereditary Cancer Syndrome. Identifiers: Orphanet 140162, MedGen C0027672, MeSH D009386, MONDO:0015356.

Allele frequency attached by ClinVar (database versions not stated): gnomAD exomes below 0.00001.
gnomAD v4.1: 1 of 1,614,030 alleles (0.000062%); highest among the groups gnomAD compares: Non-Finnish European, 0.000085%; no homozygotes.

Submissions (2):

Color Diagnostics, LLC DBA Color Health
Classification: Likely benign for Hereditary cancer-predisposing syndrome. Last evaluated: 2025-02-25. Review status: criteria provided, single submitter. Criteria: ACMG Guidelines, 2015. Collection method: clinical testing. Allele origin: germline.

Labcorp Genetics (formerly Invitae), Labcorp
Classification: Uncertain significance for Familial cancer of breast; Fanconi anemia complementation group J. Last evaluated: 2023-10-03. Review status: criteria provided, single submitter. Criteria: Invitae Variant Classification Sherloc (09022015). Collection method: clinical testing. Allele origin: germline.
Comment: This sequence change replaces glutamine, which is neutral and polar, with proline, which is neutral and non-polar, at codon 1114 of the BRIP1 protein (p.Gln1114Pro). This variant is not present in population databases (gnomAD no frequency). This variant has not been reported in the literature in individuals affected with BRIP1-related conditions. ClinVar contains an entry for this variant (Variation ID: 1719279). Algorithms developed to predict the effect of missense changes on protein structure and function output the following: SIFT: "Not Available"; PolyPhen-2: "Benign"; Align-GVGD: "Not Available". The proline amino acid residue is found in multiple mammalian species, which suggests that this missense change does not adversely affect protein function. In summary, the available evidence is currently insufficient to determine the role of this variant in disease. Therefore, it has been classified as a Variant of Uncertain Significance.